The following is an entry in ClinVar:

NM_001370259.2(MEN1):c.1051T>A (p.Tyr351Asn)

Gene: MEN1 (menin 1; minus strand). Cytogenetic location: 11q13.1.
Variant type: single nucleotide variant.
Coding change: c.1051T>A on transcript NM_001370259.2 (MANE Select); coding-DNA position 1051, T replaced by A.
Protein change: p.Tyr351Asn; replaces tyrosine 351 with asparagine.
Molecular consequence: missense variant.
Genome position (GRCh38, 1-based): chr11:64,805,769, A>T on the plus strand (T>A on the coding strand, the complement: MEN1 is on the minus strand). VCF-style: chr11-64805769-A-T. GRCh37 (hg19) VCF-style: chr11-64573241-A-T.
Other names: c.1066T>A, p.Tyr356Asn (NM_000244.4, NM_001407145.1, NM_130800.3 and 4 more transcripts); c.1177T>A, p.Tyr393Asn (NM_001370251.2, NM_001407142.1, NM_001407143.1 and 1 more transcripts); c.1051T>A, p.Tyr351Asn (NM_001370260.2, NM_001370261.2, NM_001407146.1 and 3 more transcripts); c.946T>A, p.Tyr316Asn (NM_001370262.2, NM_001370263.2, NM_001407148.1 and 1 more transcripts); c.1192T>A, p.Tyr398Asn (NM_001407150.1); c.1072T>A, p.Tyr358Asn (NM_001407151.1); short protein forms Y316N, Y351N, Y356N, Y358N, Y393N, Y398N.
Identifiers: ClinVar variation 1777370 (VCV001777370.2), dbSNP rs2497161656, ClinGen allele CA381183017.

ClinVar aggregate classification (germline): Likely pathogenic (1 of 4 stars; one submission).

Conditions:
Hereditary cancer-predisposing syndrome. Also called: Neoplastic Syndromes, Hereditary; Tumor predisposition; Hereditary Cancer Syndrome; Hereditary neoplastic syndrome. Identifiers: Orphanet 140162, MedGen C0027672, MeSH D009386, MONDO:0015356.

Submission:

Ambry Genetics
Classification: Likely pathogenic for Hereditary cancer-predisposing syndrome. Last evaluated: 2021-09-30. Review status: criteria provided, single submitter. Criteria: Ambry Variant Classification Scheme 2023. Collection method: clinical testing. Allele origin: germline.
Comment: The p.Y351N variant (also known as c.1051T>A), located in coding exon 7 of the MEN1 gene, results from a T to A substitution at nucleotide position 1051. The tyrosine at codon 351 is replaced by asparagine, an amino acid with dissimilar properties. This alteration has been reported in a family with familial isolated primary hyperparathyroidism (FIHP) (Hannan FM et al. Nat Clin Pract Endocrinol Metab, 2008 Jan;4:53-8). In a study analyzing the stability levels of menin protein, this alteration was shown to have decreased stability when compared to wild type (Shimazu S et al. Cancer Sci. 2011 Nov;102(11):2097-102). Based on internal structural analysis, this variant is moderately destabilizing to the local structure (Ambry internal data). This amino acid position is highly conserved in available vertebrate species. This variant is considered to be rare based on population cohorts in the Genome Aggregation Database (gnomAD). In addition, this alteration is predicted to be deleterious by in silico analysis. Based on the majority of available evidence to date, this variant is likely to be pathogenic.

Literature cited by the submitters: PubMed 18084346; PubMed 21819486.